The following is an entry in ClinVar:

ClinVar aggregate classification (germline): Benign. Review status: criteria provided, multiple submitters, no conflicts (2 of 4 stars). 3 submissions from 2 submitters: Benign (3). Last evaluated 2018-01-13.

Conditions:
Sacral defect with anterior meningocele. Identifiers: MedGen C1838568, OMIM 600145.
Neural tube defect (NTD). Also called: Neural tube defects. Identifiers: Orphanet 3388, Orphanet 823, MedGen C0027794, MONDO:0018075, HP:0045005.

Allele frequency attached by ClinVar (database versions not stated): gnomAD 0.06245 and 0.06320; TOPMed 0.06510; 1000 Genomes Project 0.07308; 1000 Genomes Project 30x 0.07573.

Submissions (3):

Illumina Laboratory Services, Illumina
Classification: Benign for Sacral defect with anterior meningocele. Last evaluated: 2018-01-13. Review status: criteria provided, single submitter. Criteria: ICSL Variant Classification Criteria 13 December 2019. Collection method: clinical testing. Allele origin: germline.
Comment: This variant was observed in the ICSL laboratory as part of a predisposition screen in an ostensibly healthy population. It had not been previously curated by ICSL or reported in the Human Gene Mutation Database (HGMD: prior to June 1st, 2018), and was therefore a candidate for classification through an automated scoring system. Utilizing variant allele frequency, disease prevalence and penetrance estimates, and inheritance mode, an automated score was calculated to assess if this variant is too frequent to cause the disease. Based on the score and internal cut-off values, a variant classified as benign is not then subjected to further curation. The score for this variant resulted in a classification of benign for this disease.

Illumina Laboratory Services, Illumina
Classification: Benign for Neural tube defects, susceptibility to. Last evaluated: 2018-01-13. Review status: criteria provided, single submitter. Criteria: ICSL Variant Classification Criteria 13 December 2019. Collection method: clinical testing. Allele origin: germline.
Comment: the same text as in the submission from Illumina Laboratory Services, Illumina above.

Breakthrough Genomics
Classification: Benign. Review status: criteria provided, single submitter. Criteria: ACMG Guidelines, 2015. Collection method: not provided. Allele origin: germline. Inheritance: Autosomal dominant inheritance. Affected: yes.

NM_138959.3(VANGL1):c.*2489C>T

Gene: VANGL1 (VANGL planar cell polarity protein 1; plus strand). Cytogenetic location: 1p13.1.
Variant type: single nucleotide variant.
Coding change: c.*2489C>T on transcript NM_138959.3 (MANE Select); 2489 bases downstream of the stop codon, C replaced by T.
Molecular consequence: 3 prime UTR variant.
Genome position (GRCh38, 1-based): chr1:115,693,868, C>T. VCF-style: chr1-115693868-C-T. GRCh37 (hg19) VCF-style: chr1-116236489-C-T.
Other names: c.*2489C>T (NM_001172411.2, NM_001172412.2).
Identifiers: ClinVar variation 292054 (VCV000292054.6), dbSNP rs41299571, ClinGen allele CA10607560.
Genomic context (GRCh38, chr1:115,693,868, plus strand): 5'-CATTTTTATTTCAATTCTTGGAACTGGTAGGCTATTCTTTTTAAAAGGGGGTAAACTTCG[C>T]CCTAAGGCTGGTAGAATGTATGTTCACATTATAGTAGACAGGATTTCATTTGCCTTATAT-3'